The following is an entry in ClinVar:

NM_003322.6(TULP1):c.1139C>A (p.Thr380Lys)

Gene: TULP1 (TUB like protein 1; minus strand). Cytogenetic location: 6p21.31.
Variant type: single nucleotide variant.
Coding change: c.1139C>A on transcript NM_003322.6 (MANE Select); coding-DNA position 1139, C replaced by A.
Protein change: p.Thr380Lys; replaces threonine 380 with lysine.
Molecular consequence: missense variant.
Genome position (GRCh38, 1-based): chr6:35,503,822, G>T on the plus strand (C>A on the coding strand, the complement: TULP1 is on the minus strand). VCF-style: chr6-35503822-G-T. GRCh37 (hg19) VCF-style: chr6-35471599-G-T.
Other names: c.980C>A, p.Thr327Lys (NM_001289395.2); short protein forms T327K, T380K.
Identifiers: ClinVar variation 1465448 (VCV001465448.8), dbSNP rs750974590, ClinGen allele CA363779421.

ClinVar aggregate classification (germline): Likely pathogenic (1 of 4 stars; one submission).

Submission:

Labcorp Genetics (formerly Invitae), Labcorp
Classification: Likely pathogenic. Last evaluated: 2022-10-13. Review status: criteria provided, single submitter. Criteria: Invitae Variant Classification Sherloc (09022015). Collection method: clinical testing. Allele origin: germline.
Comment: In summary, the currently available evidence indicates that the variant is pathogenic, but additional data are needed to prove that conclusively. Therefore, this variant has been classified as Likely Pathogenic. This variant disrupts the p.Thr380 amino acid residue in TULP1. Other variant(s) that disrupt this residue have been determined to be pathogenic (PMID: 20065226, 22665969). This suggests that this residue is clinically significant, and that variants that disrupt this residue are likely to be disease-causing. Advanced modeling of protein sequence and biophysical properties (such as structural, functional, and spatial information, amino acid conservation, physicochemical variation, residue mobility, and thermodynamic stability) performed at Invitae indicates that this missense variant is expected to disrupt TULP1 protein function. ClinVar contains an entry for this variant (Variation ID: 1465448). This missense change has been observed in individual(s) with retinitis pigmentosa (Invitae). This variant is not present in population databases (gnomAD no frequency). This sequence change replaces threonine, which is neutral and polar, with lysine, which is basic and polar, at codon 380 of the TULP1 protein (p.Thr380Lys).

Literature cited by the submitters: PubMed 20065226; PubMed 22665969.